The following is an entry in ClinVar:

NM_001286445.3(RIPOR2):c.1738G>A (p.Asp580Asn)

Gene: RIPOR2 (RHO family interacting cell polarization regulator 2; minus strand). Cytogenetic location: 6p22.3.
Variant type: single nucleotide variant.
Coding change: c.1738G>A on transcript NM_001286445.3 (MANE Select); coding-DNA position 1738, G replaced by A.
Protein change: p.Asp580Asn; replaces aspartic acid 580 with asparagine.
Molecular consequence: missense variant.
Genome position (GRCh38, 1-based): chr6:24,842,981, C>T on the plus strand (G>A on the coding strand, the complement: RIPOR2 is on the minus strand). VCF-style: chr6-24842981-C-T. GRCh37 (hg19) VCF-style: chr6-24843209-C-T.
Other names: c.1753G>A, p.Asp585Asn (NM_001286446.3); c.1651G>A, p.Asp551Asn (NM_001286447.2, NM_001346031.2, NM_001346032.2 and 1 more transcripts); c.1801G>A, p.Asp601Asn (NM_014722.5); short protein forms D551N, D601N, D585N, D580N.
Identifiers: ClinVar variation 2078008 (VCV002078008.4), dbSNP rs1761869830, ClinGen allele CA362993666.

ClinVar aggregate classification (germline): Uncertain significance (1 of 4 stars; one submission).

Allele frequency attached by ClinVar (database versions not stated): TOPMed below 0.00001.

Submission:

Labcorp Genetics (formerly Invitae), Labcorp
Classification: Uncertain significance. Last evaluated: 2022-07-18. Review status: criteria provided, single submitter. Criteria: Invitae Variant Classification Sherloc (09022015). Collection method: clinical testing. Allele origin: germline.
Comment: In summary, the available evidence is currently insufficient to determine the role of this variant in disease. Therefore, it has been classified as a Variant of Uncertain Significance. Algorithms developed to predict the effect of missense changes on protein structure and function are either unavailable or do not agree on the potential impact of this missense change (SIFT: "Tolerated"; PolyPhen-2: "Possibly Damaging"; Align-GVGD: "Class C0"). This variant has not been reported in the literature in individuals affected with FAM65B-related conditions. This variant is not present in population databases (gnomAD no frequency). This sequence change replaces aspartic acid, which is acidic and polar, with asparagine, which is neutral and polar, at codon 601 of the FAM65B protein (p.Asp601Asn).